The following is an entry in ClinVar:

NM_177438.3(DICER1):c.3579C>T (p.Asn1193=)

Gene: DICER1 (dicer 1, ribonuclease III; minus strand). Cytogenetic location: 14q32.13.
Variant type: single nucleotide variant.
Coding change: c.3579C>T on transcript NM_177438.3 (MANE Select); coding-DNA position 3579, C replaced by T.
Protein change: p.Asn1193=; no amino-acid change (asparagine 1193 retained).
Molecular consequence: synonymous variant. On other transcripts: non-coding transcript variant (6).
Genome position (GRCh38, 1-based): chr14:95,103,817, G>A on the plus strand (C>T on the coding strand, the complement: DICER1 is on the minus strand). VCF-style: chr14-95103817-G-A. GRCh37 (hg19) VCF-style: chr14-95570154-G-A.
Other names: c.3579C>T, p.Asn1193= (NM_001195573.1, NM_001271282.3, NM_001291628.2 and 12 more transcripts); c.3297C>T, p.Asn1099= (NM_001395686.1); c.3174C>T, p.Asn1058= (NM_001395687.1, NM_001395688.1, NM_001395689.1 and 2 more transcripts); c.3012C>T, p.Asn1004= (NM_001395691.1); c.1896C>T, p.Asn632= (NM_001395697.1).
Identifiers: ClinVar variation 4875958 (VCV004875958.1).

ClinVar aggregate classification (germline): Benign (1 of 4 stars; one submission).

Conditions:
DICER1-related tumor predisposition. Also called: DICER1 syndrome; DICER1-related pleuropulmonary blastoma cancer predisposition syndrome. Identifiers: Orphanet 284343, MedGen C3839822, MONDO:0100216.

Submission:

Myriad Genetics, Inc.
Classification: Benign for DICER1-related tumor predisposition. Last evaluated: 2026-04-17. Review status: criteria provided, single submitter. Criteria: Myriad Autosomal Dominant, Autosomal Recessive and X-Linked Classification Criteria (2023). Collection method: clinical testing. Allele origin: unknown.
Comment: This variant is considered benign. This variant is a silent/synonymous amino acid change and it is not expected to impact splicing.